The following is an entry in ClinVar:

NM_002485.5(NBN):c.36A>G (p.Gly12=)

Gene: NBN (nibrin; minus strand). Cytogenetic location: 8q21.3.
Variant type: single nucleotide variant.
Coding change: c.36A>G on transcript NM_002485.5 (MANE Select); coding-DNA position 36, A replaced by G.
Protein change: p.Gly12=; no amino-acid change (glycine 12 retained).
Molecular consequence: synonymous variant. On other transcripts: 5 prime UTR variant (1).
Genome position (GRCh38, 1-based): chr8:89,984,526, T>C on the plus strand (A>G on the coding strand, the complement: NBN is on the minus strand). VCF-style: chr8-89984526-T-C. GRCh37 (hg19) VCF-style: chr8-90996754-T-C.
Other names: c.-261A>G (NM_001024688.3).
Identifiers: ClinVar variation 837184 (VCV000837184.9), dbSNP rs1554569658, ClinGen allele CA461831593.

ClinVar aggregate classification (germline): Uncertain significance (1 of 4 stars; one submission).

Conditions:
Microcephaly, normal intelligence and immunodeficiency (NBS). Also called: Ataxia telangiectasia variant V1; Nijmegen breakage syndrome; Immunodeficiency, microcephaly with normal intelligence; IMMUNODEFICIENCY, MICROCEPHALY, AND CHROMOSOMAL INSTABILITY; SEEMANOVA SYNDROME II; BERLIN BREAKAGE SYNDROME. Identifiers: Orphanet 647, MedGen C0398791, MONDO:0009623, OMIM 251260.

Submission:

Labcorp Genetics (formerly Invitae), Labcorp
Classification: Uncertain significance for Microcephaly, normal intelligence and immunodeficiency. Last evaluated: 2019-03-24. Review status: criteria provided, single submitter. Criteria: Invitae Variant Classification Sherloc (09022015). Collection method: clinical testing. Allele origin: germline.
Comment: In summary, the available evidence is currently insufficient to determine the role of this variant in disease. Therefore, it has been classified as a Variant of Uncertain Significance. Algorithms developed to predict the effect of sequence changes on RNA splicing suggest that this variant may disrupt the consensus splice site, but this prediction has not been confirmed by published transcriptional studies. This variant has not been reported in the literature in individuals with NBN-related conditions. This variant is not present in population databases (ExAC no frequency). This sequence change affects codon 12 of the NBN mRNA. It is a 'silent' change, meaning that it does not change the encoded amino acid sequence of the NBN protein.